The following is an entry in ClinVar:

ClinVar aggregate classification (germline): Uncertain significance. Review status: criteria provided, multiple submitters, no conflicts (2 of 4 stars). 2 submissions from 2 submitters: Uncertain significance (2). Last evaluated 2023-10-10.

Conditions:
Inborn genetic diseases. Identifiers: MedGen C0950123, MeSH D030342.

Allele frequency attached by ClinVar (database versions not stated): gnomAD exomes 0.00002; ExAC 0.00009; gnomAD 0.00009; TOPMed 0.00009.
gnomAD v4.1: 34 of 1,581,462 alleles (0.0021%); highest among the groups gnomAD compares: East Asian, 0.055%; no homozygotes.

Submissions (2):

Ambry Genetics
Classification: Uncertain significance for Inborn genetic diseases. Last evaluated: 2023-10-10. Review status: criteria provided, single submitter. Criteria: Ambry Variant Classification Scheme 2023. Collection method: clinical testing. Allele origin: germline.

Labcorp Genetics (formerly Invitae), Labcorp
Classification: Uncertain significance. Last evaluated: 2022-08-01. Review status: criteria provided, single submitter. Criteria: Invitae Variant Classification Sherloc (09022015). Collection method: clinical testing. Allele origin: germline.
Comment: Algorithms developed to predict the effect of missense changes on protein structure and function output the following: SIFT: "Tolerated"; PolyPhen-2: "Benign"; Align-GVGD: "Class C0". The arginine amino acid residue is found in multiple mammalian species, which suggests that this missense change does not adversely affect protein function. In summary, the available evidence is currently insufficient to determine the role of this variant in disease. Therefore, it has been classified as a Variant of Uncertain Significance. This sequence change replaces lysine, which is basic and polar, with arginine, which is basic and polar, at codon 854 of the AP3D1 protein (p.Lys854Arg). The frequency data for this variant in the population databases is considered unreliable, as metrics indicate poor data quality at this position in the gnomAD database. This variant has not been reported in the literature in individuals affected with AP3D1-related conditions.

NM_001261826.3(AP3D1):c.2561A>G (p.Lys854Arg)

Gene: AP3D1 (adaptor related protein complex 3 subunit delta 1; minus strand). Cytogenetic location: 19p13.3.
Variant type: single nucleotide variant.
Coding change: c.2561A>G on transcript NM_001261826.3 (MANE Select); coding-DNA position 2561, A replaced by G.
Protein change: p.Lys854Arg; replaces lysine 854 with arginine.
Molecular consequence: missense variant.
Genome position (GRCh38, 1-based): chr19:2,114,165, T>C on the plus strand (A>G on the coding strand, the complement: AP3D1 is on the minus strand). VCF-style: chr19-2114165-T-C. GRCh37 (hg19) VCF-style: chr19-2114164-T-C.
Other names: c.2561A>G (NM_003938.5); c.2561A>G, p.Lys854Arg (NM_001374799.1, NM_003938.8); short protein forms K854R.
Identifiers: ClinVar variation 1922618 (VCV001922618.6), dbSNP rs766004369, ClinGen allele CA9058815.